The following is an entry in ClinVar:

ClinVar aggregate classification (germline): Likely benign. Review status: criteria provided, single submitter (1 of 4 stars). 2 submissions from 2 submitters: Likely benign (1). 1 of the submissions does not count toward it. Last evaluated 2024-12-09.

Conditions:
ADK-related disorder. Also called: ADK-related condition.

Allele frequency attached by ClinVar (database versions not stated): gnomAD exomes 0.00001; ExAC 0.00002; TOPMed 0.00002; ESP Exome Variant Server 0.00008.
gnomAD v4.1: 14 of 1,610,794 alleles (0.00087%); highest among the groups gnomAD compares: Middle Eastern, 0.017%; no homozygotes.

Submissions (2):

Labcorp Genetics (formerly Invitae), Labcorp
Classification: Likely benign. Last evaluated: 2024-12-09. Review status: criteria provided, single submitter. Criteria: Invitae Variant Classification Sherloc (09022015). Collection method: clinical testing. Allele origin: germline.

PreventionGenetics, part of Exact Sciences
Classification: Likely benign for ADK-related condition. Last evaluated: 2024-09-04. Review status: no assertion criteria provided. Collection method: clinical testing. Allele origin: germline. Not counted in ClinVar's aggregate classification.
Comment: This variant is classified as likely benign based on ACMG/AMP sequence variant interpretation guidelines (Richards et al. 2015 PMID: 25741868, with internal and published modifications).

NM_006721.4(ADK):c.801C>T (p.Ala267=)

Gene: ADK (adenosine kinase; plus strand). Cytogenetic location: 10q22.2.
Variant type: single nucleotide variant.
Coding change: c.801C>T on transcript NM_006721.4 (MANE Select); coding-DNA position 801, C replaced by T.
Protein change: p.Ala267=; no amino-acid change (alanine 267 retained).
Molecular consequence: synonymous variant. On other transcripts: intron variant (1).
Genome position (GRCh38, 1-based): chr10:74,600,417, C>T. VCF-style: chr10-74600417-C-T. GRCh37 (hg19) VCF-style: chr10-76360175-C-T.
Other names: c.801C>T (NM_006721.3); c.750C>T, p.Ala250= (NM_001123.4); c.696C>T, p.Ala232= (NM_001202449.2); c.630C>T, p.Ala210= (NM_001202450.2); c.579C>T, p.Ala193= (NM_001369124.1); c.762+11100C>T (NM_001369123.1).
Identifiers: ClinVar variation 1901499 (VCV001901499.6), dbSNP rs140798258, ClinGen allele CA5564077.